The following is an entry in ClinVar:

NM_020207.7(ERCC6L2):c.1554T>A (p.Asn518Lys)

Gene: ERCC6L2 (ERCC excision repair 6 like 2; plus strand). Cytogenetic location: 9q22.32.
Variant type: single nucleotide variant.
Coding change: c.1554T>A on transcript NM_020207.7 (MANE Select); coding-DNA position 1554, T replaced by A.
Protein change: p.Asn518Lys; replaces asparagine 518 with lysine.
Molecular consequence: missense variant. On other transcripts: non-coding transcript variant (1).
Genome position (GRCh38, 1-based): chr9:95,928,099, T>A. VCF-style: chr9-95928099-T-A. GRCh37 (hg19) VCF-style: chr9-98690381-T-A.
Other names: c.1554T>A, p.Asn518Lys (NM_001010895.4, NM_001375291.1, NM_001375292.1 and 2 more transcripts); short protein forms N518K.
Identifiers: ClinVar variation 5036094 (VCV005036094.1).
Genomic context (GRCh38, chr9:95,928,099, plus strand): 5'-GTTGGAACTGGTTCACTGATTTTCTGTGGTTCATTTTCAGGTCCTTCAGCAGCTTTTAAA[T>A]CATTGCAGGAAAAACAGAGATAAAGTTCTTCTCTTTTCTTTTTCCACCAAGGTGAGTTCA-3'
Protein context (NP_064592.3, residues 508-528): GKMKVLQQLL[Asn518Lys]HCRKNRDKVL

ClinVar aggregate classification (germline): Uncertain significance (1 of 4 stars; one submission).

Conditions:
Inborn genetic diseases. Identifiers: MedGen C0950123, MeSH D030342.

gnomAD v4.1: 1 of 1,613,072 alleles (0.000062%); highest among the groups gnomAD compares: East Asian, 0.0022%; no homozygotes.

Submission:

Ambry Genetics
Classification: Uncertain significance for Inborn genetic diseases. Last evaluated: 2026-08-05. Review status: criteria provided, single submitter. Criteria: Ambry Variant Classification Scheme 2023. Collection method: clinical testing. Allele origin: germline.
Comment: The p.N518K variant (also known as c.1554T>A), located in coding exon 10 of the ERCC6L2 gene, results from a T to A substitution at nucleotide position 1554. The asparagine at codon 518 is replaced by lysine, an amino acid with similar properties. This amino acid position is conserved. In addition, this alteration is predicted to be tolerated by in silico analysis. Based on the available evidence, the clinical significance of this variant remains unclear.